The following is an entry in ClinVar:

ClinVar aggregate classification (germline): Likely benign (0 of 4 stars; one submission).

Conditions:
MDN1-related disorder. Also called: MDN1-related condition.

Allele frequency attached by ClinVar (database versions not stated): ExAC 0.00007; gnomAD 0.00009; gnomAD exomes 0.00012; TOPMed 0.00014; ESP Exome Variant Server 0.00023.
gnomAD v4.1: 185 of 1,613,976 alleles (0.011%); highest among the groups gnomAD compares: Middle Eastern, 0.049%; no homozygotes.

Submission:

PreventionGenetics, part of Exact Sciences
Classification: Likely benign for MDN1-related condition. Last evaluated: 2019-05-24. Review status: no assertion criteria provided. Collection method: clinical testing. Allele origin: germline.
Comment: This variant is classified as likely benign based on ACMG/AMP sequence variant interpretation guidelines (Richards et al. 2015 PMID: 25741868, with internal and published modifications).

NM_014611.3(MDN1):c.15378G>A (p.Thr5126=)

Genes: MDN1 (midasin AAA ATPase 1; minus strand), MDN1-AS1 (MDN1 antisense RNA 1; plus strand). Cytogenetic location: 6q15.
Variant type: single nucleotide variant.
Coding change: c.15378G>A on transcript NM_014611.3 (MANE Select); coding-DNA position 15378, G replaced by A.
Protein change: p.Thr5126=; no amino-acid change (threonine 5126 retained).
Molecular consequence: synonymous variant.
Genome position (GRCh38, 1-based): chr6:89,655,876, C>T on the plus strand (G>A on the coding strand, the complement: MDN1 is on the minus strand). VCF-style: chr6-89655876-C-T. GRCh37 (hg19) VCF-style: chr6-90365595-C-T.
Identifiers: ClinVar variation 3038537 (VCV003038537.2), dbSNP rs145293582, ClinGen allele CA3922259.